The following is an entry in ClinVar:

NM_199420.4(POLQ):c.6119A>G (p.His2040Arg)

Gene: POLQ (DNA polymerase theta; minus strand). Cytogenetic location: 3q13.33.
Variant type: single nucleotide variant.
Coding change: c.6119A>G on transcript NM_199420.4 (MANE Select); coding-DNA position 6119, A replaced by G.
Protein change: p.His2040Arg; replaces histidine 2040 with arginine.
Molecular consequence: missense variant.
Genome position (GRCh38, 1-based): chr3:121,481,664, T>C on the plus strand (A>G on the coding strand, the complement: POLQ is on the minus strand). VCF-style: chr3-121481664-T-C. GRCh37 (hg19) VCF-style: chr3-121200511-T-C.
Other names: short protein forms H2040R.
Identifiers: ClinVar variation 1751703 (VCV001751703.2), dbSNP rs906140851, ClinGen allele CA354087785.
Genomic context (GRCh38, chr3:121,481,664, plus strand): 5'-AGCTGATTCATAGAGTTGAAGATGAGAATGGACTCCACAGATGCTCTGTATCGCCCAGAA[T>C]GCTCACTGCCAGCATTTAGCCCCAGGCTTTGAATCCCTTGGCTGGTCTCCATCCCTTCTA-3'
Protein context (NP_955452.3, residues 2030-2050): QSLGLNAGSE[His2040Arg]SGRYRASVES

ClinVar aggregate classification (germline): Uncertain significance (1 of 4 stars; one submission).

Allele frequency attached by ClinVar (database versions not stated): gnomAD exomes below 0.00001.
gnomAD v4.1: 1 of 1,614,114 alleles (0.000062%); highest among the groups gnomAD compares: Non-Finnish European, 0.000085%; no homozygotes.

Submission:

Ambry Genetics
Classification: Uncertain significance. Last evaluated: 2024-01-14. Review status: criteria provided, single submitter. Criteria: Ambry Variant Classification Scheme 2023. Collection method: clinical testing. Allele origin: germline.
Comment: The p.H2040R variant (also known as c.6119A>G), located in coding exon 19 of the POLQ gene, results from an A to G substitution at nucleotide position 6119. The histidine at codon 2040 is replaced by arginine, an amino acid with highly similar properties. This amino acid position is conserved. In addition, this alteration is predicted to be tolerated by in silico analysis. Since supporting evidence is limited at this time, the clinical significance of this alteration remains unclear.